The following is an entry in ClinVar:

NM_003640.5(ELP1):c.1073G>A (p.Arg358Gln)

Gene: ELP1 (elongator acetyltransferase complex subunit 1; minus strand). Cytogenetic location: 9q31.3.
Variant type: single nucleotide variant.
Coding change: c.1073G>A on transcript NM_003640.5 (MANE Select); coding-DNA position 1073, G replaced by A.
Protein change: p.Arg358Gln; replaces arginine 358 with glutamine.
Molecular consequence: missense variant.
Genome position (GRCh38, 1-based): chr9:108,912,380, C>T on the plus strand (G>A on the coding strand, the complement: ELP1 is on the minus strand). VCF-style: chr9-108912380-C-T. GRCh37 (hg19) VCF-style: chr9-111674660-C-T.
Other names: c.731G>A, p.Arg244Gln (NM_001318360.2); c.26G>A, p.Arg9Gln (NM_001330749.2); c.1073G>A (NM_003640.4, LRG_251t1); short protein forms R358Q, R9Q, R244Q.
Identifiers: ClinVar variation 364576 (VCV000364576.14), dbSNP rs139091484, ClinGen allele CA5175135.

ClinVar aggregate classification (germline): Uncertain significance. Review status: criteria provided, multiple submitters, no conflicts (2 of 4 stars). 6 submissions from 6 submitters: Uncertain significance (5). 1 of the submissions does not count toward it. Last evaluated 2025-01-16.

Conditions:
Medulloblastoma (MDB). Also called: Medulloblastoma, somatic; MEDULLOBLASTOMA PREDISPOSITION SYNDROME. Identifiers: Orphanet 616, MedGen C0025149, MeSH D008527, MONDO:0007959, OMIM 155255, HP:0002885.
Familial dysautonomia. Also called: HSAN III; FD. Identifiers: Orphanet 1764, MedGen C0013364, MONDO:0009131, OMIM 223900. Disease mechanism: loss of function.

Allele frequency attached by ClinVar (database versions not stated): gnomAD exomes 0.00005 and 0.00008; ExAC 0.00009; gnomAD 0.00011; 1000 Genomes Project 30x 0.00016; TOPMed 0.00017; 1000 Genomes Project 0.00020.
gnomAD v4.1: 98 of 1,614,124 alleles (0.0061%); highest among the groups gnomAD compares: Middle Eastern, 0.16%; no homozygotes.

Submissions (6):

Ambry Genetics
Classification: Uncertain significance. Last evaluated: 2025-01-16. Review status: criteria provided, single submitter. Criteria: Ambry Variant Classification Scheme 2023. Collection method: clinical testing. Allele origin: germline.

Fulgent Genetics
Classification: Uncertain significance for Medulloblastoma; Familial dysautonomia. Last evaluated: 2024-04-04. Review status: criteria provided, single submitter. Criteria: ACMG Guidelines, 2015. Collection method: clinical testing. Allele origin: germline.

St. Jude Molecular Pathology, St. Jude Children's Research Hospital
Classification: Uncertain significance for Medulloblastoma. Last evaluated: 2022-12-07. Review status: criteria provided, single submitter. Criteria: St. Jude Assertion Criteria 2020. Collection method: clinical testing. Allele origin: germline.
Comment: The ELP1 c.1073G>A (p.Arg358Gln) missense change has a maximum subpopulation frequency of 0.045% in gnomAD v2.1.1. The in silico tool REVEL predicts a benign effect on protein function, but to our knowledge this prediction has not been confirmed by functional studies. To our knowledge, this variant has not been reported in individuals with a personal or family history of medulloblastoma. In summary, the evidence currently available is insufficient to determine the clinical significance of this variant. It has therefore been classified as of uncertain significance.

Labcorp Genetics (formerly Invitae), Labcorp
Classification: Uncertain significance. Last evaluated: 2022-08-28. Review status: criteria provided, single submitter. Criteria: Invitae Variant Classification Sherloc (09022015). Collection method: clinical testing. Allele origin: germline.
Comment: This sequence change replaces arginine, which is basic and polar, with glutamine, which is neutral and polar, at codon 358 of the ELP1 protein (p.Arg358Gln). This variant is present in population databases (rs139091484, gnomAD 0.05%). This variant has not been reported in the literature in individuals affected with ELP1-related conditions. ClinVar contains an entry for this variant (Variation ID: 364576). Algorithms developed to predict the effect of missense changes on protein structure and function (SIFT, PolyPhen-2, Align-GVGD) all suggest that this variant is likely to be tolerated. Algorithms developed to predict the effect of sequence changes on RNA splicing suggest that this variant may create or strengthen a splice site. In summary, the available evidence is currently insufficient to determine the role of this variant in disease. Therefore, it has been classified as a Variant of Uncertain Significance.

Illumina Laboratory Services, Illumina
Classification: Uncertain significance for Familial dysautonomia. Last evaluated: 2018-01-12. Review status: criteria provided, single submitter. Criteria: ICSL Variant Classification Criteria 13 December 2019. Collection method: clinical testing. Allele origin: germline.

Natera, Inc.
Classification: Uncertain significance for Familial dysautonomia. Last evaluated: 2020-09-16. Review status: no assertion criteria provided. Collection method: clinical testing. Allele origin: germline. Not counted in ClinVar's aggregate classification.